The following is an entry in ClinVar:

NM_000016.6(ACADM):c.1096A>C (p.Asn366His)

Gene: ACADM (acyl-CoA dehydrogenase medium chain; plus strand). Cytogenetic location: 1p31.1.
Variant type: single nucleotide variant.
Coding change: c.1096A>C on transcript NM_000016.6 (MANE Select); coding-DNA position 1096, A replaced by C.
Protein change: p.Asn366His; replaces asparagine 366 with histidine.
Molecular consequence: missense variant.
Genome position (GRCh38, 1-based): chr1:75,761,272, A>C. VCF-style: chr1-75761272-A-C. GRCh37 (hg19) VCF-style: chr1-76226957-A-C.
Other names: c.1108A>C, p.Asn370His (NM_001127328.3); c.988A>C, p.Asn330His (NM_001286042.2); c.1195A>C, p.Asn399His (NM_001286043.2); c.529A>C, p.Asn177His (NM_001286044.2); short protein forms N330H, N370H, N399H, N366H, N177H.
Identifiers: ClinVar variation 3685353 (VCV003685353.2).

ClinVar aggregate classification (germline): Uncertain significance (1 of 4 stars; one submission).

Conditions:
Medium-chain acyl-coenzyme A dehydrogenase deficiency (ACADMD). Also called: ACADM DEFICIENCY; MCADD; MCADH DEFICIENCY; Medium chain acyl-CoA dehydrogenase deficiency; MCAD Deficiency; CARNITINE DEFICIENCY SECONDARY TO MEDIUM-CHAIN ACYL-CoA DEHYDROGENASE DEFICIENCY. Identifiers: Orphanet 42, MedGen C0220710, MONDO:0008721, OMIM 201450.

Submission:

Labcorp Genetics (formerly Invitae), Labcorp
Classification: Uncertain significance for Medium-chain acyl-coenzyme A dehydrogenase deficiency. Last evaluated: 2024-10-10. Review status: criteria provided, single submitter. Criteria: Invitae Variant Classification Sherloc (09022015). Collection method: clinical testing. Allele origin: germline.
Comment: This sequence change replaces asparagine, which is neutral and polar, with histidine, which is basic and polar, at codon 366 of the ACADM protein (p.Asn366His). This variant is not present in population databases (gnomAD no frequency). This missense change has been observed in individual(s) with clinical features of medium-chain acyl-coenzyme A dehydrogenase deficiency (internal data). In at least one individual the data is consistent with being in trans (on the opposite chromosome) from a pathogenic variant. Invitae Evidence Modeling of protein sequence and biophysical properties (such as structural, functional, and spatial information, amino acid conservation, physicochemical variation, residue mobility, and thermodynamic stability) has been performed for this missense variant. However, the output from this modeling did not meet the statistical confidence thresholds required to predict the impact of this variant on ACADM protein function. In summary, the available evidence is currently insufficient to determine the role of this variant in disease. Therefore, it has been classified as a Variant of Uncertain Significance.